The following is an entry in ClinVar:

NM_006767.4(LZTR1):c.877G>A (p.Asp293Asn)

Gene: LZTR1 (leucine zipper like post translational regulator 1; plus strand). Cytogenetic location: 22q11.21.
Variant type: single nucleotide variant.
Coding change: c.877G>A on transcript NM_006767.4 (MANE Select); coding-DNA position 877, G replaced by A.
Protein change: p.Asp293Asn; replaces aspartic acid 293 with asparagine.
Molecular consequence: missense variant.
Genome position (GRCh38, 1-based): chr22:20,991,713, G>A. VCF-style: chr22-20991713-G-A. GRCh37 (hg19) VCF-style: chr22-21346002-G-A.
Other names: short protein forms D293N.
Identifiers: ClinVar variation 1764637 (VCV001764637.2), dbSNP rs1924612681, ClinGen allele CA410781328.

ClinVar aggregate classification (germline): Uncertain significance (1 of 4 stars; one submission).

Conditions:
Cardiovascular phenotype. Identifiers: MedGen CN230736.
Hereditary cancer-predisposing syndrome. Also called: Neoplastic Syndromes, Hereditary; Tumor predisposition; Hereditary Cancer Syndrome; Hereditary neoplastic syndrome. Identifiers: Orphanet 140162, MedGen C0027672, MeSH D009386, MONDO:0015356.

Allele frequency attached by ClinVar (database versions not stated): gnomAD exomes below 0.00001; TOPMed below 0.00001.

Submission:

Ambry Genetics
Classification: Uncertain significance for Cardiovascular phenotype; Hereditary cancer-predisposing syndrome. Last evaluated: 2022-07-20. Review status: criteria provided, single submitter. Criteria: Ambry Variant Classification Scheme 2023. Collection method: clinical testing. Allele origin: germline.
Comment: The p.D293N variant (also known as c.877G>A), located in coding exon 9 of the LZTR1 gene, results from a G to A substitution at nucleotide position 877. The aspartic acid at codon 293 is replaced by asparagine, an amino acid with highly similar properties. This amino acid position is conserved. In addition, this alteration is predicted to be tolerated by in silico analysis. Since supporting evidence is limited at this time, the clinical significance of this alteration remains unclear.